The following is an entry in ClinVar:

NM_152703.5(SAMD9L):c.4328A>C (p.Gln1443Pro)

Gene: SAMD9L (sterile alpha motif domain containing 9 like; minus strand). Cytogenetic location: 7q21.2.
Variant type: single nucleotide variant.
Coding change: c.4328A>C on transcript NM_152703.5 (MANE Select); coding-DNA position 4328, A replaced by C.
Protein change: p.Gln1443Pro; replaces glutamine 1443 with proline.
Molecular consequence: missense variant.
Genome position (GRCh38, 1-based): chr7:93,131,644, T>G on the plus strand (A>C on the coding strand, the complement: SAMD9L is on the minus strand). VCF-style: chr7-93131644-T-G. GRCh37 (hg19) VCF-style: chr7-92760957-T-G.
Other names: c.4328A>C, p.Gln1443Pro (NM_001303496.3, NM_001303497.3, NM_001303498.3 and 5 more transcripts); short protein forms Q1443P.
Identifiers: ClinVar variation 3792211 (VCV003792211.1).

ClinVar aggregate classification (germline): Uncertain significance (1 of 4 stars; one submission).

Conditions:
Inborn genetic diseases. Identifiers: MedGen C0950123, MeSH D030342.

gnomAD v4.1: 27 of 1,613,920 alleles (0.0017%); highest among the groups gnomAD compares: Non-Finnish European, 0.0022%; no homozygotes.

Submission:

Ambry Genetics
Classification: Uncertain significance for Inborn genetic diseases. Last evaluated: 2024-12-15. Review status: criteria provided, single submitter. Criteria: Ambry Variant Classification Scheme 2023. Collection method: clinical testing. Allele origin: germline.
Comment: The p.Q1443P variant (also known as c.4328A>C), located in coding exon 1 of the SAMD9L gene, results from an A to C substitution at nucleotide position 4328. The glutamine at codon 1443 is replaced by proline, an amino acid with similar properties. This amino acid position is conserved. In addition, this alteration is predicted to be tolerated by in silico analysis. Based on the available evidence, the clinical significance of this variant remains unclear.